The following is an entry in ClinVar:

ClinVar aggregate classification (germline): Likely pathogenic (1 of 4 stars; one submission).

Conditions:
Primary hyperoxaluria type 3. Also called: PH III. Identifiers: Orphanet 416, Orphanet 93600, MedGen C3150878, MONDO:0013327, OMIM 613616. Disease mechanism: loss of function.

gnomAD v4.1: 2 of 1,611,146 alleles (0.00012%); highest among the groups gnomAD compares: Admixed American, 0.0017%; no homozygotes.

Submission:

Clinical Biochemistry Laboratory, Health Services Laboratory
Classification: Likely pathogenic for Primary hyperoxaluria type 3. Last evaluated: 2023-10-27. Review status: criteria provided, single submitter. Criteria: ACMG Guidelines, 2015. Collection method: curation. Allele origin: germline. Affected: yes.
Comment: ACMG:PM1 PM2 PM3 PP3 BP1

Literature cited by the submitters: PubMed 3386585.

NM_138413.4(HOGA1):c.833C>A (p.Ala278Glu)

Gene: HOGA1 (4-hydroxy-2-oxoglutarate aldolase 1; plus strand). Cytogenetic location: 10q24.2.
Variant type: single nucleotide variant.
Coding change: c.833C>A on transcript NM_138413.4 (MANE Select); coding-DNA position 833, C replaced by A.
Protein change: p.Ala278Glu; replaces alanine 278 with glutamic acid.
Molecular consequence: missense variant.
Genome position (GRCh38, 1-based): chr10:97,601,989, C>A. VCF-style: chr10-97601989-C-A. GRCh37 (hg19) VCF-style: chr10-99361746-C-A.
Other names: c.344C>A, p.Ala115Glu (NM_001134670.2); short protein forms A115E, A278E.
Identifiers: ClinVar variation 2664406 (VCV002664406.1), dbSNP rs1182162593, ClinGen allele CA377981882.